The following is an entry in ClinVar:

NM_006516.4(SLC2A1):c.1114A>T (p.Ile372Phe)

Gene: SLC2A1 (solute carrier family 2 member 1; minus strand). Cytogenetic location: 1p34.2.
Variant type: single nucleotide variant.
Coding change: c.1114A>T on transcript NM_006516.4 (MANE Select); coding-DNA position 1114, A replaced by T.
Protein change: p.Ile372Phe; replaces isoleucine 372 with phenylalanine.
Molecular consequence: missense variant.
Genome position (GRCh38, 1-based): chr1:42,927,769, T>A on the plus strand (A>T on the coding strand, the complement: SLC2A1 is on the minus strand). VCF-style: chr1-42927769-T-A. GRCh37 (hg19) VCF-style: chr1-43393440-T-A.
Other names: short protein forms I372F.
Identifiers: ClinVar variation 3342861 (VCV003342861.1).
Genomic context (GRCh38, chr1:42,927,769, plus strand): 5'-CCACGATGAACCATGGGATGGGGCCAGGACCCACTTCAAAGAAGGCCACAAAGCCAAAGA[T>A]GGCCACGATGCTCAGATAGGACATCCAGGGTAGCTGCTCCTGTTGAGGATGACGGAGAGG-3'
Protein context (NP_006507.2, residues 362-382): PWMSYLSIVA[Ile372Phe]FGFVAFFEVG

ClinVar aggregate classification (germline): Likely pathogenic (1 of 4 stars; one submission).

Submission:

GeneDx
Classification: Likely pathogenic. Last evaluated: 2024-03-22. Review status: criteria provided, single submitter. Criteria: GeneDx Variant Classification Process June 2021. Collection method: clinical testing. Allele origin: germline. Affected: yes.
Comment: Not observed at significant frequency in large population cohorts (gnomAD); In silico analysis supports that this missense variant has a deleterious effect on protein structure/function; This variant is associated with the following publications: (PMID: 35388452)